The following is an entry in ClinVar:

ClinVar aggregate classification (germline): Pathogenic (1 of 4 stars; one submission).

Conditions:
Familial infantile myasthenia (CMS6). Also called: MYASTHENIC SYNDROME, PRESYNAPTIC, CONGENITAL, ASSOCIATED WITH EPISODIC APNEA; Congenital myasthenic syndrome type 6; MYASTHENIC SYNDROME, CONGENITAL, 6, PRESYNAPTIC. Identifiers: Orphanet 590, MedGen C0393929, MONDO:0009689, OMIM 254210.

Submission:

Labcorp Genetics (formerly Invitae), Labcorp
Classification: Pathogenic for Familial infantile myasthenia. Last evaluated: 2024-08-30. Review status: criteria provided, single submitter. Criteria: Invitae Variant Classification Sherloc (09022015). Collection method: clinical testing. Allele origin: germline.
Comment: This sequence change creates a premature translational stop signal (p.Leu541Alafs*46) in the CHAT gene. It is expected to result in an absent or disrupted protein product. Loss-of-function variants in CHAT are known to be pathogenic (PMID: 12548525, 21786365, 23292760). This variant is not present in population databases (gnomAD no frequency). This variant has not been reported in the literature in individuals affected with CHAT-related conditions. ClinVar contains an entry for this variant (Variation ID: 1451989). For these reasons, this variant has been classified as Pathogenic.

Literature cited by the submitters: PubMed 12548525; PubMed 21786365; PubMed 23292760.

NM_020549.5(CHAT):c.1620dup (p.Leu541fs)

Gene: CHAT (choline O-acetyltransferase; plus strand). Cytogenetic location: 10q11.23.
Variant type: Duplication.
Coding change: c.1620dup on transcript NM_020549.5 (MANE Select); coding-DNA position 1620, one base duplicated (G; older notation c.1620dupG).
Protein change: p.Leu541fs; shifts the reading frame from leucine 541.
Molecular consequence: frameshift variant.
Genome position (GRCh38, 1-based): chr10:49,651,992, G duplicated. VCF-style (leftmost placement, unchanged base first): chr10-49651991-A-AG. GRCh37 (hg19) VCF-style: chr10-50860037-A-AG.
Other names: c.1266dup, p.Leu423fs (NM_001142929.2, NM_001142934.2, NM_020984.4 and 2 more transcripts); c.1374dup, p.Leu459fs (NM_001142933.2); short protein forms L459fs, L541fs, L423fs.
Identifiers: ClinVar variation 1451989 (VCV001451989.6), dbSNP rs2132820703, ClinGen allele CA2573145182.